The following is an entry in ClinVar:

NM_052989.3(IFT122):c.2705_2706del (p.Thr902fs)

Gene: IFT122 (intraflagellar transport 122; plus strand). Cytogenetic location: 3q22.1.
Variant type: Microsatellite.
Coding change: c.2705_2706del on transcript NM_052989.3 (MANE Select); coding-DNA positions 2705 to 2706, 2 bases deleted (CA; older notation c.2705_2706delCA).
Protein change: p.Thr902fs; shifts the reading frame from threonine 902.
Molecular consequence: frameshift variant.
Genome position (GRCh38, 1-based): chr3:129,506,463-129,506,464, CA deleted; deleting any 2 consecutive bases within chr3:129,506,461-129,506,464 gives the same sequence; the c. name uses the placement nearest the transcript's 3' end. VCF-style (leftmost placement, unchanged base first): chr3-129506460-TCA-T. GRCh37 (hg19) VCF-style: chr3-129225303-TCA-T.
Other names: c.2681_2682del, p.Thr894fs (NM_001280541.2); c.2255_2256del, p.Thr752fs (NM_001280545.2); c.2078_2079del, p.Thr693fs (NM_001280546.2); c.2705_2706del, p.Thr902fs (NM_001410808.1); c.2651_2652del, p.Thr884fs (NM_001410809.1); c.2528_2529del, p.Thr843fs (NM_001410810.1, NM_018262.4); c.2474_2475del, p.Thr825fs (NM_001410811.1, NM_001410813.1); c.2372_2373del, p.Thr791fs (NM_001410815.1, NM_052990.3); and 2 more; short protein forms T894fs, T902fs, T752fs, T843fs, T693fs, T773fs, T791fs, T825fs.
Identifiers: ClinVar variation 2693250 (VCV002693250.3), dbSNP rs2532525678, ClinGen allele CA2697556844.

ClinVar aggregate classification (germline): Pathogenic (1 of 4 stars; one submission).

Conditions:
Cranioectodermal dysplasia 1 (CED1). Also called: LEVIN SYNDROME I. Identifiers: Orphanet 1515, MedGen C0432235, MONDO:0021093, OMIM 218330.

Submission:

Labcorp Genetics (formerly Invitae), Labcorp
Classification: Pathogenic for Cranioectodermal dysplasia 1. Last evaluated: 2023-11-04. Review status: criteria provided, single submitter. Criteria: Invitae Variant Classification Sherloc (09022015). Collection method: clinical testing. Allele origin: germline.
Comment: This sequence change creates a premature translational stop signal (p.Thr953Lysfs*10) in the IFT122 gene. It is expected to result in an absent or disrupted protein product. Loss-of-function variants in IFT122 are known to be pathogenic (PMID: 20493458, 23826986, 26792575). This variant is not present in population databases (gnomAD no frequency). This variant has not been reported in the literature in individuals affected with IFT122-related conditions. For these reasons, this variant has been classified as Pathogenic.

Literature cited by the submitters: PubMed 20493458; PubMed 23826986; PubMed 26792575.